The following is an entry in ClinVar:

NM_001282531.3(ADNP):c.2317_2318del (p.Lys773fs)

Gene: ADNP (activity dependent neuroprotector homeobox; minus strand). Cytogenetic location: 20q13.13.
Variant type: Deletion.
Coding change: c.2317_2318del on transcript NM_001282531.3 (MANE Select); coding-DNA positions 2317 to 2318, 2 bases deleted (AA; older notation c.2317_2318delAA).
Protein change: p.Lys773fs; shifts the reading frame from lysine 773.
Molecular consequence: frameshift variant.
Genome position (GRCh38, 1-based): chr20:50,892,396-50,892,397, TT deleted on the plus strand (AA on the coding strand, the reverse complement: ADNP is on the minus strand); deleting any 2 consecutive bases within chr20:50,892,396-50,892,398 gives the same sequence; the c. name uses the placement nearest the transcript's 3' end. VCF-style (leftmost placement, unchanged base first): chr20-50892395-CTT-C. GRCh37 (hg19) VCF-style: chr20-49508932-CTT-C.
Other names: c.2317_2318del, p.Lys773fs (NM_001282532.2, NM_001347511.2, NM_015339.5 and 1 more transcripts); short protein forms K773fs.
Identifiers: ClinVar variation 3704491 (VCV003704491.3).

ClinVar aggregate classification (germline): Pathogenic. Review status: criteria provided, multiple submitters, no conflicts (2 of 4 stars). 2 submissions from 2 submitters: Pathogenic (2). Last evaluated 2024-10-28.

Conditions:
ADNP-related multiple congenital anomalies - intellectual disability - autism spectrum disorder. Also called: Helsmoortel-Van der Aa Syndrome; ADNP-Related Helsmoortel-Van der Aa Syndrome. Identifiers: Orphanet 404448, MedGen C4014538, MONDO:0014379, OMIM 615873. Disease mechanism: loss of function.

Submissions (2):

Labcorp Genetics (formerly Invitae), Labcorp
Classification: Pathogenic. Last evaluated: 2024-10-28. Review status: criteria provided, single submitter. Criteria: Invitae Variant Classification Sherloc (09022015). Collection method: clinical testing. Allele origin: germline.
Comment: This sequence change creates a premature translational stop signal (p.Lys773Valfs*14) in the ADNP gene. While this is not anticipated to result in nonsense mediated decay, it is expected to disrupt the last 330 amino acid(s) of the ADNP protein. This variant is not present in population databases (gnomAD no frequency). This premature translational stop signal has been observed in individual(s) with clinical features of Helsmoortel-Van der Aa syndrome (PMID: 32758449). This variant disrupts a region of the ADNP protein in which other variant(s) (p.Met1088Serfs*5) have been determined to be pathogenic (PMID: 28135719). This suggests that this is a clinically significant region of the protein, and that variants that disrupt it are likely to be disease-causing. For these reasons, this variant has been classified as Pathogenic.

Laboratoire de Génétique Moléculaire, CHU Bordeaux
Classification: Pathogenic for ADNP-related multiple congenital anomalies - intellectual disability - autism spectrum disorder. Last evaluated: 2023-04-14. Review status: criteria provided, single submitter. Criteria: ACMG Guidelines, 2015. Collection method: clinical testing. Allele origin: germline. Affected: yes.

Literature cited by the submitters: PubMed 32758449 (cited by Labcorp Genetics (formerly Invitae), Labcorp); PubMed 28135719 (cited by Labcorp Genetics (formerly Invitae), Labcorp).